The following is an entry in ClinVar:

NM_130839.5(UBE3A):c.748G>T (p.Glu250Ter)

Genes: SNHG14 (small nucleolar RNA host gene 14; plus strand), UBE3A (ubiquitin protein ligase E3A; minus strand). Cytogenetic location: 15q11.2.
Variant type: single nucleotide variant.
Coding change: c.748G>T on transcript NM_130839.5 (MANE Select); coding-DNA position 748, G replaced by T.
Protein change: p.Glu250Ter; replaces glutamic acid 250 with a stop codon.
Molecular consequence: nonsense. On other transcripts: non-coding transcript variant (1), intron variant (2).
Genome position (GRCh38, 1-based): chr15:25,371,426, C>A on the plus strand (G>T on the coding strand, the complement: UBE3A is on the minus strand). VCF-style: chr15-25371426-C-A. GRCh37 (hg19) VCF-style: chr15-25616573-C-A.
Other names: c.757G>T, p.Glu253Ter (NM_000462.5); c.748G>T, p.Glu250Ter (NM_001354505.1, NM_001354538.2, NM_001354545.2); c.688G>T, p.Glu230Ter (NM_001354506.2, NM_001354507.2, NM_001354508.2 and 17 more transcripts); c.571G>T, p.Glu191Ter (NM_001354546.2); c.301+4039G>T (NM_001354551.2); c.361+4039G>T (NM_001354550.2); short protein forms E230*, E191*, E250*, E253*.
Identifiers: ClinVar variation 136197 (VCV000136197.1), dbSNP rs587780575, ClinGen allele CA333466.

ClinVar aggregate classification (germline): Pathogenic (0 of 4 stars; one submission).

Conditions:
Angelman syndrome (AS). Also called: HAPPY PUPPET SYNDROME. Identifiers: Orphanet 72, MedGen C0162635, MONDO:0007113, OMIM 105830. Disease mechanism: loss of function. Inheritance: AS is caused by disruption of maternally imprinted UBE3A located within the 15q11.2-q13 Angelman syndrome/Prader-Willi syndrome (AS/PWS) region., imprinting disorder.

Submission:

Baylor Genetics
Classification: Pathogenic for Angelman Syndrome. Last evaluated: 2014-02-14. Review status: no assertion criteria provided. Collection method: clinical testing. Allele origin: germline. Affected: yes. Observed: 1 variant allele. Study: UBE3A Mutation Study.
Comment: Data collected from clinical UBE3A sequence analysis results

Literature cited by the submitters: PubMed 25212744.